The following is an entry in ClinVar:

NM_001365276.2(TNXB):c.5636C>T (p.Ala1879Val)

Gene: TNXB (tenascin XB; minus strand). Cytogenetic location: 6p21.33.
Variant type: single nucleotide variant.
Coding change: c.5636C>T on transcript NM_001365276.2 (MANE Select); coding-DNA position 5636, C replaced by T.
Protein change: p.Ala1879Val; replaces alanine 1879 with valine.
Molecular consequence: missense variant.
Genome position (GRCh38, 1-based): chr6:32,069,088, G>A on the plus strand (C>T on the coding strand, the complement: TNXB is on the minus strand). VCF-style: chr6-32069088-G-A. GRCh37 (hg19) VCF-style: chr6-32036865-G-A.
Other names: c.6377C>T, p.Ala2126Val (NM_001428335.1); c.5636C>T, p.Ala1879Val (NM_019105.8); short protein forms A1879V, A2126V.
Identifiers: ClinVar variation 3363523 (VCV003363523.1).

ClinVar aggregate classification (germline): Uncertain significance (1 of 4 stars; one submission).

gnomAD v4.1: 5 of 1,612,498 alleles (0.00031%); highest among the groups gnomAD compares: African/African-American, 0.0013%; no homozygotes.

Submission:

GeneDx
Classification: Uncertain significance. Last evaluated: 2023-10-25. Review status: criteria provided, single submitter. Criteria: GeneDx Variant Classification Process June 2021. Collection method: clinical testing. Allele origin: germline. Affected: yes.
Comment: Has not been previously published as pathogenic or benign to our knowledge; Not observed at significant frequency in large population cohorts (gnomAD); In silico analysis supports that this missense variant does not alter protein structure/function